The following is an entry in ClinVar:

NM_000179.3(MSH6):c.1423C>A (p.Gln475Lys)

Gene: MSH6 (mutS homolog 6; plus strand). Cytogenetic location: 2p16.3.
Variant type: single nucleotide variant.
Coding change: c.1423C>A on transcript NM_000179.3 (MANE Select); coding-DNA position 1423, C replaced by A.
Protein change: p.Gln475Lys; replaces glutamine 475 with lysine.
Molecular consequence: missense variant. On other transcripts: non-coding transcript variant (4), intron variant (1).
Genome position (GRCh38, 1-based): chr2:47,799,406, C>A. VCF-style: chr2-47799406-C-A. GRCh37 (hg19) VCF-style: chr2-48026545-C-A.
Other names: c.628-1260C>A (NM_001407362.1); c.1345C>A, p.Gln449Lys (NM_001406804.1); c.1126C>A, p.Gln376Lys (NM_001406805.1, NM_001406824.1, NM_001406825.1 and 10 more transcripts); c.898C>A, p.Gln300Lys (NM_001406806.1, NM_001406807.1, NM_001406799.1); c.1423C>A, p.Gln475Lys (NM_001406808.1, NM_001406809.1, NM_001406796.1 and 4 more transcripts); c.517C>A, p.Gln173Lys (NM_001406811.1, NM_001406812.1, NM_001281493.2 and 6 more transcripts); c.1429C>A, p.Gln477Lys (NM_001406813.1); c.1033C>A, p.Gln345Lys (NM_001281492.2); and 2 more; short protein forms Q376K, Q419K, Q475K, Q449K, Q345K, Q173K, Q300K, Q477K.
Identifiers: ClinVar variation 3633930 (VCV003633930.2).

ClinVar aggregate classification (germline): Uncertain significance (1 of 4 stars; one submission).

Conditions:
Hereditary nonpolyposis colorectal neoplasms. Identifiers: MedGen C0009405, MeSH D003123.

Submission:

Labcorp Genetics (formerly Invitae), Labcorp
Classification: Uncertain significance for Hereditary nonpolyposis colorectal neoplasms. Last evaluated: 2024-11-21. Review status: criteria provided, single submitter. Criteria: Invitae Variant Classification Sherloc (09022015). Collection method: clinical testing. Allele origin: germline.
Comment: This sequence change replaces glutamine, which is neutral and polar, with lysine, which is basic and polar, at codon 475 of the MSH6 protein (p.Gln475Lys). This variant is not present in population databases (gnomAD no frequency). This variant has not been reported in the literature in individuals affected with MSH6-related conditions. Invitae Evidence Modeling of protein sequence and biophysical properties (such as structural, functional, and spatial information, amino acid conservation, physicochemical variation, residue mobility, and thermodynamic stability) indicates that this missense variant is not expected to disrupt MSH6 protein function with a negative predictive value of 95%. In summary, the available evidence is currently insufficient to determine the role of this variant in disease. Therefore, it has been classified as a Variant of Uncertain Significance.